The following is an entry in ClinVar:

NM_001197104.2(KMT2A):c.8782C>A (p.Leu2928Ile)

Gene: KMT2A (lysine methyltransferase 2A; plus strand). Cytogenetic location: 11q23.3.
Variant type: single nucleotide variant.
Coding change: c.8782C>A on transcript NM_001197104.2 (MANE Select); coding-DNA position 8782, C replaced by A.
Protein change: p.Leu2928Ile; replaces leucine 2928 with isoleucine.
Molecular consequence: missense variant.
Genome position (GRCh38, 1-based): chr11:118,504,674, C>A. VCF-style: chr11-118504674-C-A. GRCh37 (hg19) VCF-style: chr11-118375389-C-A.
Other names: c.8773C>A, p.Leu2925Ile (NM_005933.4); short protein forms L2928I, L2925I.
Identifiers: ClinVar variation 1373049 (VCV001373049.6), dbSNP rs782237038, ClinGen allele CA6304525.

ClinVar aggregate classification (germline): Uncertain significance (1 of 4 stars; one submission).

Allele frequency attached by ClinVar (database versions not stated): gnomAD exomes below 0.00001; ExAC 0.00001.
gnomAD v4.1: 2 of 1,614,186 alleles (0.00012%); highest among the groups gnomAD compares: Non-Finnish European, 0.00017%; no homozygotes.

Submission:

Labcorp Genetics (formerly Invitae), Labcorp
Classification: Uncertain significance. Last evaluated: 2022-10-05. Review status: criteria provided, single submitter. Criteria: Invitae Variant Classification Sherloc (09022015). Collection method: clinical testing. Allele origin: germline.
Comment: This variant is present in population databases (rs782237038, gnomAD 0.0009%). This sequence change replaces leucine, which is neutral and non-polar, with isoleucine, which is neutral and non-polar, at codon 2928 of the KMT2A protein (p.Leu2928Ile). In summary, the available evidence is currently insufficient to determine the role of this variant in disease. Therefore, it has been classified as a Variant of Uncertain Significance. Advanced modeling of protein sequence and biophysical properties (such as structural, functional, and spatial information, amino acid conservation, physicochemical variation, residue mobility, and thermodynamic stability) performed at Invitae indicates that this missense variant is not expected to disrupt KMT2A protein function. ClinVar contains an entry for this variant (Variation ID: 1373049). This variant has not been reported in the literature in individuals affected with KMT2A-related conditions.